The following is an entry in ClinVar:

ClinVar aggregate classification (germline): Pathogenic (1 of 4 stars; one submission).

Submission:

GeneDx
Classification: Pathogenic. Last evaluated: 2026-02-11. Review status: criteria provided, single submitter. Criteria: GeneDx Variant Classification Process June 2021. Collection method: clinical testing. Allele origin: germline.
Comment: Frameshift variant predicted to result in protein truncation or nonsense mediated decay in a gene for which loss of function is a known mechanism of disease; Not observed at significant frequency in large population cohorts (gnomAD); Has not been previously published as pathogenic or benign to our knowledge

NM_012309.5(SHANK2):c.2687del (p.Pro896fs)

Gene: SHANK2 (SH3 and multiple ankyrin repeat domains 2; minus strand). Cytogenetic location: 11q13.3.
Variant type: Deletion.
Coding change: c.2687del on transcript NM_012309.5 (MANE Select); coding-DNA position 2687, one base deleted (C; older notation c.2687delC).
Protein change: p.Pro896fs; shifts the reading frame from proline 896.
Molecular consequence: frameshift variant.
Genome position (GRCh38, 1-based): chr11:70,487,606, G deleted on the plus strand (C on the coding strand, the reverse complement: SHANK2 is on the minus strand); the first of 5 consecutive G bases (chr11:70,487,606-70,487,610); deleting any one gives the same sequence. VCF-style (leftmost placement, unchanged base first): chr11-70487605-CG-C. GRCh37 (hg19) VCF-style: chr11-70333710-CG-C.
Other names: c.1550del, p.Pro517fs (NM_001379226.1); c.2807del, p.Pro936fs (NM_001441024.1); c.2636del, p.Pro879fs (NM_001441025.1, NM_001441026.1, NM_001441027.1 and 8 more transcripts); c.2609del, p.Pro870fs (NM_001441035.1, NM_001441036.1, NM_001441037.1); c.2564del, p.Pro855fs (NM_001441038.1); c.1520del, p.Pro507fs (NM_001441040.1); c.1472del, p.Pro491fs (NM_001441041.1); c.914del, p.Pro305fs (NM_001441042.1); and 6 more; short protein forms P305fs, P517fs, P896fs, P936fs, P264fs, P308fs, P507fs, P855fs.
Identifiers: ClinVar variation 5009885 (VCV005009885.1).